The following is an entry in ClinVar:

ClinVar aggregate classification (germline): Uncertain significance (1 of 4 stars; one submission).

Conditions:
Polyglandular autoimmune syndrome, type 1 (APS1). Also called: Autoimmune polyendocrine syndrome type 1; Autoimmune polyendocrinopathy syndrome, type I; HYPOADRENOCORTICISM WITH HYPOPARATHYROIDISM AND SUPERFICIAL MONILIASIS; PGA I; APS I; AUTOIMMUNE POLYENDOCRINE SYNDROME, TYPE I, WITH OR WITHOUT REVERSIBLE METAPHYSEAL DYSPLASIA. Identifiers: Orphanet 3453, MedGen C0085859, MONDO:0009411, OMIM 240300.

Submission:

Labcorp Genetics (formerly Invitae), Labcorp
Classification: Uncertain significance for Polyglandular autoimmune syndrome, type 1. Last evaluated: 2022-09-01. Review status: criteria provided, single submitter. Criteria: Invitae Variant Classification Sherloc (09022015). Collection method: clinical testing. Allele origin: germline.
Comment: This variant results in a copy number gain of the genomic region encompassing exon(s) 11-14 of the AIRE gene. This region includes the termination codon of the gene. This copy number gain extends beyond the assayed region for this gene and therefore may encompass additional genes. As the precise location of this event is unknown, it may be in tandem or it may be located elsewhere in the genome. This variant has not been reported in the literature in individuals affected with AIRE-related conditions. In summary, the available evidence is currently insufficient to determine the role of this variant in disease. Therefore, it has been classified as a Variant of Uncertain Significance.

NC_000021.8:g.(?_45713652)_(45717630_?)dup

Genes: AIRE (autoimmune regulator; plus strand), LOC130066814 (ATAC-STARR-seq lymphoblastoid active region 18565; plus strand), LOC130066813 (ATAC-STARR-seq lymphoblastoid silent region 13378; plus strand). Cytogenetic location: 21q22.3.
Variant type: Duplication.
Identifiers: ClinVar variation 649620 (VCV000649620.2).